The following is an entry in ClinVar:

NM_001034116.2(EIF2B4):c.58C>G (p.Leu20Val)

Gene: EIF2B4 (eukaryotic translation initiation factor 2B subunit delta; minus strand). Cytogenetic location: 2p23.3.
Variant type: single nucleotide variant.
Coding change: c.58C>G on transcript NM_001034116.2 (MANE Select); coding-DNA position 58, C replaced by G.
Protein change: p.Leu20Val; replaces leucine 20 with valine.
Molecular consequence: missense variant. On other transcripts: 5 prime UTR variant (3).
Genome position (GRCh38, 1-based): chr2:27,369,893, G>C on the plus strand (C>G on the coding strand, the complement: EIF2B4 is on the minus strand). VCF-style: chr2-27369893-G-C. GRCh37 (hg19) VCF-style: chr2-27592760-G-C.
Other names: c.121C>G, p.Leu41Val (NM_001318965.2, NM_172195.4); c.13C>G, p.Leu5Val (NM_001318966.2); c.-29C>G (NM_001318967.2); c.-458C>G (NM_001318968.2); c.-535C>G (NM_001318969.2); c.58C>G, p.Leu20Val (NM_015636.4); short protein forms L5V, L20V, L41V.
Identifiers: ClinVar variation 1475314 (VCV001475314.6), dbSNP rs1682241176, ClinGen allele CA346203807.

ClinVar aggregate classification (germline): Uncertain significance (1 of 4 stars; one submission).

Submission:

Labcorp Genetics (formerly Invitae), Labcorp
Classification: Uncertain significance. Last evaluated: 2021-09-06. Review status: criteria provided, single submitter. Criteria: Invitae Variant Classification Sherloc (09022015). Collection method: clinical testing. Allele origin: germline.
Comment: This sequence change replaces leucine with valine at codon 20 of the EIF2B4 protein (p.Leu20Val). The leucine residue is weakly conserved and there is a small physicochemical difference between leucine and valine. This variant is not present in population databases (ExAC no frequency). This variant has not been reported in the literature in individuals affected with EIF2B4-related conditions. Algorithms developed to predict the effect of missense changes on protein structure and function are either unavailable or do not agree on the potential impact of this missense change (SIFT: "Tolerated"; PolyPhen-2: "Possibly Damaging"; Align-GVGD: "Class C0"). In summary, the available evidence is currently insufficient to determine the role of this variant in disease. Therefore, it has been classified as a Variant of Uncertain Significance.